The following is an entry in ClinVar:

NM_000368.5(TSC1):c.1159C>T (p.Pro387Ser)

Gene: TSC1 (TSC complex subunit 1; minus strand). Cytogenetic location: 9q34.13.
Variant type: single nucleotide variant.
Coding change: c.1159C>T on transcript NM_000368.5 (MANE Select); coding-DNA position 1159, C replaced by T.
Protein change: p.Pro387Ser; replaces proline 387 with serine.
Molecular consequence: missense variant.
Genome position (GRCh38, 1-based): chr9:132,910,675, G>A on the plus strand (C>T on the coding strand, the complement: TSC1 is on the minus strand). VCF-style: chr9-132910675-G-A. GRCh37 (hg19) VCF-style: chr9-135786062-G-A.
Other names: c.1156C>T, p.Pro386Ser (NM_001162426.2, NM_001406597.1, NM_001406608.1 and 6 more transcripts); c.1006C>T, p.Pro336Ser (NM_001162427.2, NM_001406610.1); c.796C>T, p.Pro266Ser (NM_001362177.2, NM_001406614.1, NM_001406615.1 and 5 more transcripts); c.1159C>T, p.Pro387Ser (NM_001406592.1, NM_001406593.1, NM_001406594.1 and 7 more transcripts); c.1003C>T, p.Pro335Ser (NM_001406611.1, NM_001406612.1, NM_001406613.1); c.793C>T, p.Pro265Ser (NM_001406620.1, NM_001406621.1, NM_001406622.1 and 2 more transcripts); c.208C>T, p.Pro70Ser (NM_001406626.1); c.205C>T, p.Pro69Ser (NM_001406627.1, NM_001406628.1); and 1 more; short protein forms P265S, P266S, P70S, P336S, P36S, P335S, P386S, P387S.
Identifiers: ClinVar variation 2153566 (VCV002153566.11), dbSNP rs1845906327, ClinGen allele CA375367160.

ClinVar aggregate classification (germline): Uncertain significance. Review status: criteria provided, multiple submitters, no conflicts (2 of 4 stars). 5 submissions from 5 submitters: Uncertain significance (5). Last evaluated 2026-04-02.

Conditions:
Tuberous sclerosis syndrome (TSC). Also called: Tuberous sclerosis; Tuberous Sclerosis Complex. Identifiers: Orphanet 805, MedGen C0041341, MONDO:0001734.
Hereditary cancer-predisposing syndrome. Also called: Neoplastic Syndromes, Hereditary; Tumor predisposition; Hereditary neoplastic syndrome; Hereditary Cancer Syndrome. Identifiers: Orphanet 140162, MedGen C0027672, MeSH D009386, MONDO:0015356.
Tuberous sclerosis 1 (TSC1). Identifiers: Orphanet 805, MedGen C1854465, MONDO:0008612, OMIM 191100.

Allele frequency attached by ClinVar (database versions not stated): gnomAD 0.00001.
gnomAD v4.1: 1 of 1,613,818 alleles (0.000062%); highest among the groups gnomAD compares: Non-Finnish European, 0.000085%; no homozygotes.

Submissions (5):

Dasa
Classification: Uncertain significance. Last evaluated: 2026-04-02. Review status: criteria provided, single submitter. Criteria: DASA Assertion Criteria. Collection method: clinical testing. Allele origin: germline.
Comment: NM_000368.5(TSC1):c.1159C>T (p.Pro387Ser) is a missense variant that results in the substitution of proline with serine. This variant is rare in population databases. Computational prediction algorithms are consistent with a deleterious effect. The currently available literature and clinical evidence are not sufficient to establish a definitive association between this variant and the reported condition. Therefore, this variant is classified as a variant of uncertain significance.

Ambry Genetics
Classification: Uncertain significance for Hereditary cancer-predisposing syndrome. Last evaluated: 2025-09-17. Review status: criteria provided, single submitter. Criteria: Ambry Variant Classification Scheme 2023. Collection method: clinical testing. Allele origin: germline.
Comment: The p.P387S variant (also known as c.1159C>T), located in coding exon 10 of the TSC1 gene, results from a C to T substitution at nucleotide position 1159. The proline at codon 387 is replaced by serine, an amino acid with similar properties. This amino acid position is conserved. In addition, the in silico prediction for this alteration is inconclusive. Since supporting evidence is limited at this time, the clinical significance of this alteration remains unclear.

Labcorp Genetics (formerly Invitae), Labcorp
Classification: Uncertain significance for Tuberous sclerosis 1. Last evaluated: 2025-04-23. Review status: criteria provided, single submitter. Criteria: Invitae Variant Classification Sherloc (09022015). Collection method: clinical testing. Allele origin: germline.
Comment: This sequence change replaces proline, which is neutral and non-polar, with serine, which is neutral and polar, at codon 387 of the TSC1 protein (p.Pro387Ser). This variant is not present in population databases (gnomAD no frequency). This variant has not been reported in the literature in individuals affected with TSC1-related conditions. ClinVar contains an entry for this variant (Variation ID: 2153566). Invitae Evidence Modeling of protein sequence and biophysical properties (such as structural, functional, and spatial information, amino acid conservation, physicochemical variation, residue mobility, and thermodynamic stability) indicates that this missense variant is not expected to disrupt TSC1 protein function with a negative predictive value of 95%. In summary, the available evidence is currently insufficient to determine the role of this variant in disease. Therefore, it has been classified as a Variant of Uncertain Significance.

GeneDx
Classification: Uncertain significance. Last evaluated: 2024-02-01. Review status: criteria provided, single submitter. Criteria: GeneDx Variant Classification Process June 2021. Collection method: clinical testing. Allele origin: germline. Affected: yes.
Comment: Not observed at significant frequency in large population cohorts (gnomAD); In silico analysis supports that this missense variant does not alter protein structure/function; Has not been previously published as pathogenic or benign to our knowledge; This variant is associated with the following publications: (PMID: 18466115)

All of Us Research Program, National Institutes of Health
Classification: Uncertain significance for Tuberous sclerosis syndrome. Last evaluated: 2023-08-08. Review status: criteria provided, single submitter. Criteria: ACMG Guidelines, 2015. Collection method: clinical testing. Allele origin: germline. Inheritance: Autosomal dominant inheritance. Observed: 1 variant allele, 1 heterozygote.
Comment: This missense variant replaces proline with serine at codon 387 of the TSC1 protein. Computational prediction suggests that this variant may have deleterious impact on protein structure and function (internally defined REVEL score threshold >= 0.7, PMID: 27666373). To our knowledge, functional studies have not been reported for this variant. This variant has not been reported in individuals affected with TSC1-related disorders in the literature. This variant has not been identified in the general population by the Genome Aggregation Database (gnomAD). The available evidence is insufficient to determine the role of this variant in disease conclusively. Therefore, this variant is classified as a Variant of Uncertain Significance.

This study involves interpretation of variants in research participants for the purpose of population health screening. Participant phenotype was not available at the time of variant classification. Additional details can be found in publication PMID: 35346344, PMCID: PMC8962531